The following is an entry in ClinVar:

ClinVar aggregate classification (germline): Uncertain significance (1 of 4 stars; one submission).

Conditions:
Familial thoracic aortic aneurysm and aortic dissection (TAAD). Also called: Thoracic aortic aneurysms and dissections. Identifiers: Orphanet 91387, MedGen C4707243, MONDO:0019625.

gnomAD v4.1: 16 of 1,613,974 alleles (0.00099%); highest among the groups gnomAD compares: African/African-American, 0.021%; no homozygotes.

Submission:

Ambry Genetics
Classification: Uncertain significance for Familial thoracic aortic aneurysm and aortic dissection. Last evaluated: 2026-05-03. Review status: criteria provided, single submitter. Criteria: Ambry Variant Classification Scheme 2023. Collection method: clinical testing. Allele origin: germline.
Comment: The p.L820F variant (also known as c.2458C>T), located in coding exon 19 of the FBN2 gene, results from a C to T substitution at nucleotide position 2458. The leucine at codon 820 is replaced by phenylalanine, an amino acid with highly similar properties. This amino acid position is conserved. In addition, the in silico prediction for this alteration is inconclusive. Based on the available evidence, the clinical significance of this variant remains unclear.

NM_001999.4(FBN2):c.2458C>T (p.Leu820Phe)

Gene: FBN2 (fibrillin 2; minus strand). Cytogenetic location: 5q23.3.
Variant type: single nucleotide variant.
Coding change: c.2458C>T on transcript NM_001999.4 (MANE Select); coding-DNA position 2458, C replaced by T.
Protein change: p.Leu820Phe; replaces leucine 820 with phenylalanine.
Molecular consequence: missense variant.
Genome position (GRCh38, 1-based): chr5:128,361,819, G>A on the plus strand (C>T on the coding strand, the complement: FBN2 is on the minus strand). VCF-style: chr5-128361819-G-A. GRCh37 (hg19) VCF-style: chr5-127697512-G-A.
Other names: short protein forms L820F.
Identifiers: ClinVar variation 4871236 (VCV004871236.1).